The following is an entry in ClinVar:

NM_053013.4(ENO3):c.103G>A (p.Val35Met)

Gene: ENO3 (enolase 3; plus strand). Cytogenetic location: 17p13.2.
Variant type: single nucleotide variant.
Coding change: c.103G>A on transcript NM_053013.4 (MANE Select); coding-DNA position 103, G replaced by A.
Protein change: p.Val35Met; replaces valine 35 with methionine.
Molecular consequence: missense variant.
Genome position (GRCh38, 1-based): chr17:4,952,812, G>A. VCF-style: chr17-4952812-G-A. GRCh37 (hg19) VCF-style: chr17-4856107-G-A.
Other names: c.103G>A, p.Val35Met (NM_001193503.2, NM_001374523.1, NM_001976.5); c.130G>A, p.Val44Met (NM_001374524.1); short protein forms V44M, V35M.
Identifiers: ClinVar variation 1479464 (VCV001479464.3), dbSNP rs1317890147, ClinGen allele CA397284356.

ClinVar aggregate classification (germline): Uncertain significance (1 of 4 stars; one submission).

Conditions:
Glycogen storage disease due to muscle beta-enolase deficiency (GSD13). Also called: ENOLASE 3 DEFICIENCY; ENOLASE-BETA DEFICIENCY; GSD XIII; Glycogen Storage Disease Type XIII. Identifiers: Orphanet 99849, MedGen C2752027, MONDO:0013046, OMIM 612932.

Allele frequency attached by ClinVar (database versions not stated): gnomAD exomes below 0.00001.
gnomAD v4.1: 1 of 1,611,218 alleles (0.000062%); highest among the groups gnomAD compares: Admixed American, 0.0017%; no homozygotes.

Submission:

Labcorp Genetics (formerly Invitae), Labcorp
Classification: Uncertain significance for Glycogen storage disease due to muscle beta-enolase deficiency. Last evaluated: 2021-11-19. Review status: criteria provided, single submitter. Criteria: Invitae Variant Classification Sherloc (09022015). Collection method: clinical testing. Allele origin: germline.
Comment: This sequence change replaces valine, which is neutral and non-polar, with methionine, which is neutral and non-polar, at codon 35 of the ENO3 protein (p.Val35Met). The frequency data for this variant in the population databases is considered unreliable, as metrics indicate poor data quality at this position in the gnomAD database. This variant has not been reported in the literature in individuals affected with ENO3-related conditions. Algorithms developed to predict the effect of missense changes on protein structure and function are either unavailable or do not agree on the potential impact of this missense change (SIFT: "Deleterious"; PolyPhen-2: "Possibly Damaging"; Align-GVGD: "Class C0"). In summary, the available evidence is currently insufficient to determine the role of this variant in disease. Therefore, it has been classified as a Variant of Uncertain Significance.